The following is an entry in ClinVar:

ClinVar aggregate classification (germline): Benign. Review status: criteria provided, multiple submitters, no conflicts (2 of 4 stars). 2 submissions from 2 submitters: Benign (2). Last evaluated 2018-01-12.

Conditions:
Early Myoclonic Encephalopathy. Identifiers: MedGen C0270855.

Allele frequency attached by ClinVar (database versions not stated): 1000 Genomes Project 30x 0.06074; TOPMed 0.08487; gnomAD 0.08986 and 0.08987; 1000 Genomes Project 0.06010; gnomAD exomes 0.08537.
gnomAD v4.1: 13,668 of 152,308 alleles (9%); highest among the groups gnomAD compares: Non-Finnish European, 13%; 750 homozygotes.

Submissions (2):

Illumina Laboratory Services, Illumina
Classification: Benign for Developmental and epileptic encephalopathy, 3. Last evaluated: 2018-01-12. Review status: criteria provided, single submitter. Criteria: ICSL Variant Classification Criteria 13 December 2019. Collection method: clinical testing. Allele origin: germline.
Comment: This variant was observed in the ICSL laboratory as part of a predisposition screen in an ostensibly healthy population. It had not been previously curated by ICSL or reported in the Human Gene Mutation Database (HGMD: prior to June 1st, 2018), and was therefore a candidate for classification through an automated scoring system. Utilizing variant allele frequency, disease prevalence and penetrance estimates, and inheritance mode, an automated score was calculated to assess if this variant is too frequent to cause the disease. Based on the score and internal cut-off values, a variant classified as benign is not then subjected to further curation. The score for this variant resulted in a classification of benign for this disease.

Breakthrough Genomics
Classification: Benign. Review status: criteria provided, single submitter. Criteria: ACMG Guidelines, 2015. Collection method: not provided. Allele origin: germline. Inheritance: Autosomal recessive inheritance. Affected: yes.

NM_001191061.2(SLC25A22):c.*906G>A

Gene: SLC25A22 (solute carrier family 25 member 22; minus strand). Cytogenetic location: 11p15.5.
Variant type: single nucleotide variant.
Coding change: c.*906G>A on transcript NM_001191061.2 (MANE Select); 906 bases downstream of the stop codon, G replaced by A.
Molecular consequence: 3 prime UTR variant.
Genome position (GRCh38, 1-based): chr11:791,009, C>T on the plus strand (G>A on the coding strand, the complement: SLC25A22 is on the minus strand). VCF-style: chr11-791009-C-T. GRCh37 (hg19) VCF-style: chr11-791009-C-T.
Other names: c.*906G>A (NM_001191060.2, NM_024698.6).
Identifiers: ClinVar variation 306239 (VCV000306239.6), dbSNP rs118051043, ClinGen allele CA10635738.
Genomic context (GRCh38, chr11:791,009, plus strand): 5'-TCCTGGCCCTCCCTCCAGAGCAGGGCAGGCACCCTCAGGCTCCACACTGGTCCCAATGCC[C>T]GCCCTGCTCCCTGGCCAATCCCAGGCCAGGGTGGAGGACTCAGGAGAGACCAAGCTGGGT-3'